The following is an entry in ClinVar:

NM_000212.3(ITGB3):c.961A>C (p.Met321Leu)

Gene: ITGB3 (integrin subunit beta 3; plus strand). Cytogenetic location: 17q21.32.
Variant type: single nucleotide variant.
Coding change: c.961A>C on transcript NM_000212.3 (MANE Select); coding-DNA position 961, A replaced by C.
Protein change: p.Met321Leu; replaces methionine 321 with leucine.
Molecular consequence: missense variant.
Genome position (GRCh38, 1-based): chr17:47,289,702, A>C. VCF-style: chr17-47289702-A-C. GRCh37 (hg19) VCF-style: chr17-45367068-A-C.
Other names: NM_000212.3:c.961A>C; short protein forms M321L.
Identifiers: ClinVar variation 2581083 (VCV002581083.1), dbSNP rs2547617787, ClinGen allele CA400025655.

ClinVar aggregate classification (germline): Uncertain significance (3 of 4 stars; one submission).

Conditions:
Glanzmann thrombasthenia. Also called: BLEEDING DISORDER, PLATELET-TYPE, 2; THROMBASTHENIA OF GLANZMANN AND NAEGELI; Thrombasthenia; PLATELET GLYCOPROTEIN IIb-IIIa DEFICIENCY; Glanzmann's thrombasthenia. Identifiers: Orphanet 849, MedGen C0040015, MONDO:0100326.

Submission:

ClinGen Platelet Disorders Variant Curation Expert Panel, ClinGen
Classification: Uncertain significance for Glanzmann thrombasthenia. Last evaluated: 2023-09-07. Review status: reviewed by expert panel. Criteria: ClinGen Platelet ACMG Specifications v2-1. Collection method: curation. Allele origin: germline. Inheritance: Autosomal recessive inheritance.
Comment: The c.961A>C variant in ITGB3 is a missense variant predicted to cause substitution of Methionine by Leucine at amino acid 321 (p.Met321Leu). At least one patient (Patient 3 in PMID: 15748237) with this variant displayed mucocutaneous bleeding and impaired aggregation with all agonists except ristocetin, which is highly specific for Glanzmann thrombasthenia. Additionally, αIIbβ3 surface expression was reduced to 0%, as measured by flow cytometry and Western blot (PP4_Moderate). This variant is absent from gnomAD v2.1.1 (PM2_Supporting). In summary, this variant meets the criteria to be classified as Uncertain significance - insufficient evidence for autosomal recessive Glanzmann Thrombasthenia based on the ACMG/AMP criteria applied, as specified by the ClinGen PD VCEP: PP4_Moderate, PM3_Supporting and PM2_Supporting (PD-VCEP specifications version 2).